The following is an entry in ClinVar:

ClinVar aggregate classification (germline): Uncertain significance. Review status: criteria provided, multiple submitters, no conflicts (2 of 4 stars). 2 submissions from 2 submitters: Uncertain significance (2). Last evaluated 2025-12-31.

Conditions:
Inborn genetic diseases. Identifiers: MedGen C0950123, MeSH D030342.

Allele frequency attached by ClinVar (database versions not stated): gnomAD exomes below 0.00001; TOPMed below 0.00001.
gnomAD v4.1: 4 of 1,594,404 alleles (0.00025%); highest among the groups gnomAD compares: Non-Finnish European, 0.00017%; no homozygotes.

Submissions (2):

Labcorp Genetics (formerly Invitae), Labcorp
Classification: Uncertain significance. Last evaluated: 2025-12-31. Review status: criteria provided, single submitter. Criteria: Invitae Variant Classification Sherloc (09022015). Collection method: clinical testing. Allele origin: germline.
Comment: This sequence change replaces glycine, which is neutral and non-polar, with aspartic acid, which is acidic and polar, at codon 248 of the LTBP4 protein (p.Gly248Asp). This variant is not present in population databases (gnomAD no frequency). This variant has not been reported in the literature in individuals affected with LTBP4-related conditions. ClinVar contains an entry for this variant (Variation ID: 2982232). Experimental studies and prediction algorithms are not available or were not evaluated, and the functional significance of this variant is currently unknown. In summary, the available evidence is currently insufficient to determine the role of this variant in disease. Therefore, it has been classified as a Variant of Uncertain Significance.

Ambry Genetics
Classification: Uncertain significance for Inborn genetic diseases. Last evaluated: 2024-03-31. Review status: criteria provided, single submitter. Criteria: Ambry Variant Classification Scheme 2023. Collection method: clinical testing. Allele origin: germline.

NM_001042545.2(LTBP4):c.653G>A (p.Gly218Asp)

Genes: LTBP4 (latent transforming growth factor beta binding protein 4; plus strand), LOC130064475 (ATAC-STARR-seq lymphoblastoid silent region 10639; plus strand). Cytogenetic location: 19q13.2.
Variant type: single nucleotide variant.
Coding change: c.653G>A on transcript NM_001042545.2 (MANE Select); coding-DNA position 653, G replaced by A.
Protein change: p.Gly218Asp; replaces glycine 218 with aspartic acid.
Molecular consequence: missense variant.
Genome position (GRCh38, 1-based): chr19:40,605,615, G>A. VCF-style: chr19-40605615-G-A. GRCh37 (hg19) VCF-style: chr19-41111521-G-A.
Other names: c.854G>A, p.Gly285Asp (NM_001042544.1); c.743G>A, p.Gly248Asp (NM_003573.2); short protein forms G218D, G248D, G285D.
Identifiers: ClinVar variation 2982232 (VCV002982232.4), dbSNP rs1310492385, ClinGen allele CA405933612.